The following is an entry in ClinVar:

NM_025137.4(SPG11):c.857A>G (p.Asn286Ser)

Gene: SPG11 (SPG11 vesicle trafficking associated, spatacsin; minus strand). Cytogenetic location: 15q21.1.
Variant type: single nucleotide variant.
Coding change: c.857A>G on transcript NM_025137.4 (MANE Select); coding-DNA position 857, A replaced by G.
Protein change: p.Asn286Ser; replaces asparagine 286 with serine.
Molecular consequence: missense variant.
Genome position (GRCh38, 1-based): chr15:44,657,107, T>C on the plus strand (A>G on the coding strand, the complement: SPG11 is on the minus strand). VCF-style: chr15-44657107-T-C. GRCh37 (hg19) VCF-style: chr15-44949305-T-C.
Other names: c.857A>G, p.Asn286Ser (NM_001160227.2); short protein forms N286S.
Identifiers: ClinVar variation 1004395 (VCV001004395.6), dbSNP rs2084961885, ClinGen allele CA392237145.

ClinVar aggregate classification (germline): Uncertain significance (1 of 4 stars; one submission).

Conditions:
Hereditary spastic paraplegia 11. Also called: Spastic Paraplegia 11; SPASTIC PARAPLEGIA, AUTOSOMAL RECESSIVE, COMPLICATED, WITH THIN CORPUS CALLOSUM; SPASTIC PARAPLEGIA, AUTOSOMAL RECESSIVE, WITH MENTAL IMPAIRMENT AND THIN CORPUS CALLOSUM; Nakamura Osame syndrome; Autosomal recessive hereditary spastic paraplegia, mental impairment, and thin corpus callosum; Spastic paraplegia, mental retardation and thin corpus callosum. Identifiers: Orphanet 2822, MedGen C1858479, MONDO:0011445, OMIM 604360.

Allele frequency attached by ClinVar (database versions not stated): TOPMed 0.00001.

Submission:

Labcorp Genetics (formerly Invitae), Labcorp
Classification: Uncertain significance for Hereditary spastic paraplegia 11. Last evaluated: 2021-08-24. Review status: criteria provided, single submitter. Criteria: Invitae Variant Classification Sherloc (09022015). Collection method: clinical testing. Allele origin: germline.
Comment: This sequence change replaces asparagine with serine at codon 286 of the SPG11 protein (p.Asn286Ser). The asparagine residue is moderately conserved and there is a small physicochemical difference between asparagine and serine. This variant is not present in population databases (ExAC no frequency). This variant has not been reported in the literature in individuals affected with SPG11-related conditions. Algorithms developed to predict the effect of missense changes on protein structure and function output the following: SIFT: "Tolerated"; PolyPhen-2: "Benign"; Align-GVGD: "Class C0". The serine amino acid residue is found in multiple mammalian species, which suggests that this missense change does not adversely affect protein function. Algorithms developed to predict the effect of sequence changes on RNA splicing suggest that this variant may create or strengthen a splice site. In summary, the available evidence is currently insufficient to determine the role of this variant in disease. Therefore, it has been classified as a Variant of Uncertain Significance.